The following is an entry in ClinVar:

NM_000051.4(ATM):c.6976-3_6976-2insT

Genes: ATM (ATM serine/threonine kinase; plus strand), C11orf65 (chromosome 11 open reading frame 65; minus strand). Cytogenetic location: 11q22.3.
Variant type: Insertion.
Coding change: c.6976-3_6976-2insT on transcript NM_000051.4 (MANE Select); 3 bases into the intron before coding-DNA position 6976 through the canonical splice acceptor site of the intron before coding-DNA position 6976, T inserted.
Molecular consequence: splice acceptor variant. On other transcripts: intron variant (2).
Genome position: GRCh38 VCF-style: chr11-108327642-C-CT. GRCh37 (hg19) VCF-style: chr11-108198369-C-CT.
Other names: c.6976-3_6976-2insT (NM_001351834.2); c.641-18572_641-18571insA (NM_001330368.2); c.*38+7577_*38+7578insA (NM_001351110.2).
Identifiers: ClinVar variation 407459 (VCV000407459.7), dbSNP rs1060501533, ClinGen allele CA16613119.

ClinVar aggregate classification (germline): Uncertain significance (1 of 4 stars; one submission).

Conditions:
Ataxia-telangiectasia syndrome (AT). Also called: LOUIS-BAR SYNDROME; Cerebello-oculocutaneous telangiectasia; Immunodeficiency with ataxia telangiectasia; Ataxia-telangiectasia, complementation group D; AT, COMPLEMENTATION GROUP C; Ataxia-telangiectasia, complementation group E. Identifiers: Orphanet 100, MedGen C0004135, MONDO:0008840, OMIM 208900.

Submission:

Labcorp Genetics (formerly Invitae), Labcorp
Classification: Uncertain significance for Ataxia-telangiectasia syndrome. Last evaluated: 2021-09-01. Review status: criteria provided, single submitter. Criteria: Invitae Variant Classification Sherloc (09022015). Collection method: clinical testing. Allele origin: germline.
Comment: This sequence change falls in intron 47 of the ATM gene. It does not directly change the encoded amino acid sequence of the ATM protein. It affects a nucleotide within the consensus splice site of the intron. This variant is not present in population databases (ExAC no frequency). This variant has not been reported in the literature in individuals affected with ATM-related conditions. ClinVar contains an entry for this variant (Variation ID: 407459). Variants that disrupt the consensus splice site are a relatively common cause of aberrant splicing (PMID: 17576681, 9536098). Algorithms developed to predict the effect of sequence changes on RNA splicing suggest that this variant is not likely to affect RNA splicing. In summary, the available evidence is currently insufficient to determine the role of this variant in disease. Therefore, it has been classified as a Variant of Uncertain Significance.

Literature cited by the submitters: PubMed 17576681; PubMed 9536098.